The following is an entry in ClinVar:

NM_006766.5(KAT6A):c.1136C>G (p.Ser379Ter)

Gene: KAT6A (lysine acetyltransferase 6A; minus strand). Cytogenetic location: 8p11.21.
Variant type: single nucleotide variant.
Coding change: c.1136C>G on transcript NM_006766.5 (MANE Select); coding-DNA position 1136, C replaced by G.
Protein change: p.Ser379Ter; replaces serine 379 with a stop codon.
Molecular consequence: nonsense.
Genome position (GRCh38, 1-based): chr8:41,977,235, G>C on the plus strand (C>G on the coding strand, the complement: KAT6A is on the minus strand). VCF-style: chr8-41977235-G-C. GRCh37 (hg19) VCF-style: chr8-41834753-G-C.
Other names: c.1136C>G, p.Ser379Ter (NM_001305878.2); short protein forms S379*.
Identifiers: ClinVar variation 3640948 (VCV003640948.2).
Genomic context (GRCh38, chr8:41,977,235, plus strand): 5'-GAGACATTGCTATCTCTGCAGAAGTCCAAGCCATCTATCCGCTCTAAATATCCTTCTTCT[G>C]ATGATGATGATGCTGATTGGCTGGAAAGAGTGATTTTTCGTTTCCTACCCCTTCCAGGGC-3'

ClinVar aggregate classification (germline): Pathogenic (1 of 4 stars; one submission).

Submission:

Labcorp Genetics (formerly Invitae), Labcorp
Classification: Pathogenic. Last evaluated: 2024-02-14. Review status: criteria provided, single submitter. Criteria: Invitae Variant Classification Sherloc (09022015). Collection method: clinical testing. Allele origin: germline.
Comment: This sequence change creates a premature translational stop signal (p.Ser379*) in the KAT6A gene. It is expected to result in an absent or disrupted protein product. Loss-of-function variants in KAT6A are known to be pathogenic (PMID: 25728775, 25728777, 27133397). This variant is not present in population databases (gnomAD no frequency). This premature translational stop signal has been observed in individual(s) with KAT6A-related conditions (PMID: 35892268). For these reasons, this variant has been classified as Pathogenic.

Literature cited by the submitters: PubMed 25728775; PubMed 25728777; PubMed 27133397; PubMed 35892268.